The following is an entry in ClinVar:

NM_004415.4(DSP):c.1964T>C (p.Ile655Thr)

Gene: DSP (desmoplakin; plus strand). Cytogenetic location: 6p24.3.
Variant type: single nucleotide variant.
Coding change: c.1964T>C on transcript NM_004415.4 (MANE Select); coding-DNA position 1964, T replaced by C.
Protein change: p.Ile655Thr; replaces isoleucine 655 with threonine.
Molecular consequence: missense variant.
Genome position (GRCh38, 1-based): chr6:7,571,902, T>C. VCF-style: chr6-7571902-T-C. GRCh37 (hg19) VCF-style: chr6-7572135-T-C.
Other names: c.1964T>C, p.Ile655Thr (NM_001008844.3, NM_001319034.2); short protein forms I655T.
Identifiers: ClinVar variation 3074822 (VCV003074822.1), dbSNP rs2533896429, ClinGen allele CA362680216.

ClinVar aggregate classification (germline): Uncertain significance (1 of 4 stars; one submission).

Conditions:
Arrhythmogenic cardiomyopathy with wooly hair and keratoderma. Also called: PALMOPLANTAR KERATODERMA WITH LEFT VENTRICULAR CARDIOMYOPATHY AND WOOLLY HAIR; Carvajal syndrome; Dilated cardiomyopathy with woolly hair and keratoderma; Arrhythmogenic cardiomyopathy with woolly hair and keratoderma. Identifiers: Orphanet 65282, MedGen C1854063, MONDO:0011581, OMIM 605676.

Submission:

All of Us Research Program, National Institutes of Health
Classification: Uncertain significance for Arrhythmogenic cardiomyopathy with wooly hair and keratoderma. Last evaluated: 2023-12-13. Review status: criteria provided, single submitter. Criteria: ACMG Guidelines, 2015. Collection method: clinical testing. Allele origin: germline. Inheritance: Autosomal dominant inheritance. Observed: 1 variant allele, 1 heterozygote.
Comment: This missense variant replaces isoleucine with threonine at codon 655 of the DSP protein. Computational prediction suggests that this variant may not impact protein structure and function (internally defined REVEL score threshold <= 0.5, PMID: 27666373). To our knowledge, functional studies have not been reported for this variant. This variant has not been reported in individuals affected with DSP-related disorders in the literature. This variant has not been identified in the general population by the Genome Aggregation Database (gnomAD). The available evidence is insufficient to determine the role of this variant in disease conclusively. Therefore, this variant is classified as a Variant of Uncertain Significance.

This study involves interpretation of variants in research participants for the purpose of population health screening. Participant phenotype was not available at the time of variant classification. Additional details can be found in publication PMID: 35346344, PMCID: PMC8962531